The following is an entry in ClinVar:

ClinVar aggregate classification (germline): Uncertain significance (1 of 4 stars; one submission).

Conditions:
Familial adenomatous polyposis 1 (FAP1). Also called: POLYPOSIS, ADENOMATOUS INTESTINAL; FAMILIAL ADENOMATOUS POLYPOSIS 1, ATTENUATED. Identifiers: MedGen C2713442, MONDO:0021056, OMIM 175100. Disease mechanism: loss of function.

Submission:

Labcorp Genetics (formerly Invitae), Labcorp
Classification: Uncertain significance for Familial adenomatous polyposis 1. Last evaluated: 2024-06-09. Review status: criteria provided, single submitter. Criteria: Invitae Variant Classification Sherloc (09022015). Collection method: clinical testing. Allele origin: germline.
Comment: This variant occurs in a non-coding region of the APC gene. It does not change the encoded amino acid sequence of the APC protein. This variant is not present in population databases (gnomAD no frequency). This variant has not been reported in the literature in individuals affected with APC-related conditions. Experimental studies and prediction algorithms are not available or were not evaluated, and the functional significance of this variant is currently unknown. In summary, the available evidence is currently insufficient to determine the role of this variant in disease. Therefore, it has been classified as a Variant of Uncertain Significance.

NC_000005.10:g.112707394del

Gene: APC (APC regulator of Wnt signaling pathway; plus strand). Cytogenetic location: 5q22.2.
Variant type: Deletion.
Genome position: GRCh38 VCF-style: chr5-112707393-CA-C. GRCh37 (hg19) VCF-style: chr5-112043090-CA-C.
Identifiers: ClinVar variation 2021146 (VCV002021146.4), dbSNP rs2531731653, ClinGen allele CA2580072228.